The following is an entry in ClinVar:

NM_015338.6(ASXL1):c.2915G>T (p.Gly972Val)

Gene: ASXL1 (ASXL transcriptional regulator 1; plus strand). Cytogenetic location: 20q11.21.
Variant type: single nucleotide variant.
Coding change: c.2915G>T on transcript NM_015338.6 (MANE Select); coding-DNA position 2915, G replaced by T.
Protein change: p.Gly972Val; replaces glycine 972 with valine.
Molecular consequence: missense variant.
Genome position (GRCh38, 1-based): chr20:32,435,627, G>T. VCF-style: chr20-32435627-G-T. GRCh37 (hg19) VCF-style: chr20-31023430-G-T.
Other names: c.2732G>T, p.Gly911Val (NM_001363734.1); short protein forms G911V, G972V.
Identifiers: ClinVar variation 4864824 (VCV004864824.1).

ClinVar aggregate classification (germline): Uncertain significance (1 of 4 stars; one submission).

Conditions:
Inborn genetic diseases. Identifiers: MedGen C0950123, MeSH D030342.

gnomAD v4.1: 1 of 1,614,130 alleles (0.000062%); highest among the groups gnomAD compares: South Asian, 0.0011%; no homozygotes.

Submission:

Ambry Genetics
Classification: Uncertain significance for Inborn genetic diseases. Last evaluated: 2026-05-27. Review status: criteria provided, single submitter. Criteria: Ambry Variant Classification Scheme 2023. Collection method: clinical testing. Allele origin: germline.
Comment: The p.G972V variant (also known as c.2915G>T), located in coding exon 13 of the ASXL1 gene, results from a G to T substitution at nucleotide position 2915. The glycine at codon 972 is replaced by valine, an amino acid with dissimilar properties. This amino acid position is conserved. In addition, this alteration is predicted to be tolerated by in silico analysis. Based on the available evidence, the clinical significance of this variant remains unclear.